The following is an entry in ClinVar:

ClinVar aggregate classification (germline): Uncertain significance (1 of 4 stars; one submission).

Conditions:
Hereditary cancer-predisposing syndrome. Also called: Neoplastic Syndromes, Hereditary; Tumor predisposition; Hereditary Cancer Syndrome; Hereditary neoplastic syndrome. Identifiers: Orphanet 140162, MedGen C0027672, MeSH D009386, MONDO:0015356.

Allele frequency attached by ClinVar (database versions not stated): gnomAD exomes below 0.00001.
gnomAD v4.1: 1 of 1,609,012 alleles (0.000062%); highest among the groups gnomAD compares: Non-Finnish European, 0.000085%; no homozygotes.

Submission:

Ambry Genetics
Classification: Uncertain significance for Hereditary cancer-predisposing syndrome. Last evaluated: 2018-05-07. Review status: criteria provided, single submitter. Criteria: Ambry Variant Classification Scheme 2023. Collection method: clinical testing. Allele origin: germline.
Comment: The p.E420D variant (also known as c.1260G>T), located in coding exon 12 of the TSC2 gene, results from a G to T substitution at nucleotide position 1260. The glutamic acid at codon 420 is replaced by aspartic acid, an amino acid with highly similar properties. This amino acid position is not well conserved in available vertebrate species. In addition, the in silico prediction for this alteration is inconclusive. Since supporting evidence is limited at this time, the clinical significance of this alteration remains unclear.

NM_000548.5(TSC2):c.1260G>T (p.Glu420Asp)

Gene: TSC2 (TSC complex subunit 2; plus strand). Cytogenetic location: 16p13.3.
Variant type: single nucleotide variant.
Coding change: c.1260G>T on transcript NM_000548.5 (MANE Select); coding-DNA position 1260, G replaced by T.
Protein change: p.Glu420Asp; replaces glutamic acid 420 with aspartic acid.
Molecular consequence: missense variant.
Genome position (GRCh38, 1-based): chr16:2,062,499, G>T. VCF-style: chr16-2062499-G-T. GRCh37 (hg19) VCF-style: chr16-2112500-G-T.
Other names: c.1260G>T, p.Glu420Asp (NM_021055.3, NM_001077183.3, NM_001114382.3 and 3 more transcripts); c.1149G>T, p.Glu383Asp (NM_001318827.2); c.1113G>T, p.Glu371Asp (NM_001318829.2); c.660G>T, p.Glu220Asp (NM_001318831.2); c.1293G>T, p.Glu431Asp (NM_001318832.2); short protein forms E420D, E431D, E383D, E220D, E371D.
Identifiers: ClinVar variation 230470 (VCV000230470.5), dbSNP rs876658585, ClinGen allele CA10579873.